The following is an entry in ClinVar:

ClinVar aggregate classification (germline): Uncertain significance (1 of 4 stars; one submission).

Allele frequency attached by ClinVar (database versions not stated): TOPMed 0.00024; ESP Exome Variant Server 0.00031; 1000 Genomes Project 0.00040; 1000 Genomes Project 30x 0.00047.
gnomAD v4.1: 61 of 1,613,806 alleles (0.0038%); highest among the groups gnomAD compares: African/African-American, 0.065%; no homozygotes.

Submission:

Labcorp Genetics (formerly Invitae), Labcorp
Classification: Uncertain significance. Last evaluated: 2025-04-21. Review status: criteria provided, single submitter. Criteria: Invitae Variant Classification Sherloc (09022015). Collection method: clinical testing. Allele origin: germline.
Comment: This sequence change replaces serine, which is neutral and polar, with asparagine, which is neutral and polar, at codon 899 of the PITRM1 protein (p.Ser899Asn). This variant is present in population databases (rs372883237, gnomAD 0.09%). This variant has not been reported in the literature in individuals affected with PITRM1-related conditions. ClinVar contains an entry for this variant (Variation ID: 1415639). An algorithm developed to predict the effect of missense changes on protein structure and function outputs the following: PolyPhen-2: "Benign". The asparagine amino acid residue is found in multiple mammalian species, which suggests that this missense change does not adversely affect protein function. In summary, the available evidence is currently insufficient to determine the role of this variant in disease. Therefore, it has been classified as a Variant of Uncertain Significance.

NM_014889.4(PITRM1):c.2990G>A (p.Ser997Asn)

Gene: PITRM1 (pitrilysin metallopeptidase 1; minus strand). Cytogenetic location: 10p15.2.
Variant type: single nucleotide variant.
Coding change: c.2990G>A on transcript NM_014889.4 (MANE Select); coding-DNA position 2990, G replaced by A.
Protein change: p.Ser997Asn; replaces serine 997 with asparagine.
Molecular consequence: missense variant. On other transcripts: non-coding transcript variant (4).
Genome position (GRCh38, 1-based): chr10:3,138,265, C>T on the plus strand (G>A on the coding strand, the complement: PITRM1 is on the minus strand). VCF-style: chr10-3138265-C-T. GRCh37 (hg19) VCF-style: chr10-3180457-C-T.
Other names: c.2993G>A, p.Ser998Asn (NM_001242307.2); c.2696G>A, p.Ser899Asn (NM_001242309.1); c.2792G>A, p.Ser931Asn (NM_001347725.2); c.2177G>A, p.Ser726Asn (NM_001347726.2); c.2375G>A, p.Ser792Asn (NM_001347727.2); c.1685G>A, p.Ser562Asn (NM_001347728.2); c.2966G>A, p.Ser989Asn (NM_001347729.1); c.2768G>A, p.Ser923Asn (NM_001347730.1); short protein forms S923N, S931N, S562N, S792N, S989N, S998N, S726N, S899N.
Identifiers: ClinVar variation 1415639 (VCV001415639.4), dbSNP rs372883237, ClinGen allele CA5387083.